The following is an entry in ClinVar:

ClinVar aggregate classification (germline): Benign/Likely benign. Review status: criteria provided, multiple submitters, no conflicts (2 of 4 stars). 4 submissions from 4 submitters: Benign (1); Likely benign (3). Last evaluated 2025-12-28.

Conditions:
Tuberous sclerosis 2 (TSC2). Identifiers: Orphanet 805, MedGen C1860707, MONDO:0013199, OMIM 613254.

Allele frequency attached by ClinVar (database versions not stated): TOPMed 0.00002; ESP Exome Variant Server 0.00008; gnomAD exomes 0.00009; ExAC 0.00016; gnomAD 0.00032.
gnomAD v4.1: 72 of 1,608,172 alleles (0.0045%); highest among the groups gnomAD compares: South Asian, 0.0055%; no homozygotes.

Submissions (4):

Labcorp Genetics (formerly Invitae), Labcorp
Classification: Likely benign for Tuberous sclerosis 2. Last evaluated: 2025-12-28. Review status: criteria provided, single submitter. Criteria: Invitae Variant Classification Sherloc (09022015). Collection method: clinical testing. Allele origin: germline.

Myriad Genetics, Inc.
Classification: Benign for Tuberous sclerosis 2. Last evaluated: 2025-06-05. Review status: criteria provided, single submitter. Criteria: Myriad Autosomal Dominant, Autosomal Recessive and X-Linked Classification Criteria (2023). Collection method: clinical testing. Allele origin: unknown.
Comment: This variant is considered benign. This variant is intronic and is not expected to impact mRNA splicing. This variant has been observed at a population frequency that is significantly greater than expected given the associated disease prevalence and penetrance.

Blueprint Genetics
Classification: Likely benign. Last evaluated: 2024-04-25. Review status: criteria provided, single submitter. Criteria: ACMG Guidelines, 2015. Collection method: clinical testing. Allele origin: germline.

GeneDx
Classification: Likely benign. Last evaluated: 2016-08-24. Review status: criteria provided, single submitter. Criteria: GeneDx Variant Classification (06012015). Collection method: clinical testing. Allele origin: germline. Affected: yes.
Comment: This variant is considered likely benign or benign based on one or more of the following criteria: it is a conservative change, it occurs at a poorly conserved position in the protein, it is predicted to be benign by multiple in silico algorithms, and/or has population frequency not consistent with disease.

NM_000548.5(TSC2):c.4850-19C>T

Gene: TSC2 (TSC complex subunit 2; plus strand). Cytogenetic location: 16p13.3.
Variant type: single nucleotide variant.
Coding change: c.4850-19C>T on transcript NM_000548.5 (MANE Select); 19 bases into the intron before coding-DNA position 4850, C replaced by T.
Molecular consequence: intron variant.
Genome position (GRCh38, 1-based): chr16:2,086,713, C>T. VCF-style: chr16-2086713-C-T. GRCh37 (hg19) VCF-style: chr16-2136714-C-T.
Other names: c.4781-19C>T (NM_001114382.3); c.4721-19C>T (NM_021055.3, NM_001370405.1); c.4652-19C>T (NM_001363528.2); c.4718-19C>T (NM_001370404.1); c.4649-19C>T (NM_001077183.3); c.4541-19C>T (NM_001318827.2); c.4118-19C>T (NM_001318831.2); c.4505-19C>T (NM_001318829.2); and 1 more.
Identifiers: ClinVar variation 388824 (VCV000388824.10), dbSNP rs45517376, ClinGen allele CA052850.